The following is an entry in ClinVar:

NM_000043.6(FAS):c.824T>C (p.Val275Ala)

Gene: FAS (Fas cell surface death receptor; plus strand). Cytogenetic location: 10q23.31.
Variant type: single nucleotide variant.
Coding change: c.824T>C on transcript NM_000043.6 (MANE Select); coding-DNA position 824, T replaced by C.
Protein change: p.Val275Ala; replaces valine 275 with alanine.
Molecular consequence: missense variant. On other transcripts: 3 prime UTR variant (2), non-coding transcript variant (7).
Genome position (GRCh38, 1-based): chr10:89,014,266, T>C. VCF-style: chr10-89014266-T-C. GRCh37 (hg19) VCF-style: chr10-90774023-T-C.
Other names: c.*147T>C (NM_001320619.2); c.869T>C, p.Val290Ala (NM_001410956.1); c.761T>C, p.Val254Ala (NM_152871.4); c.*136T>C (NM_152872.4); short protein forms V254A, V275A, V290A.
Identifiers: ClinVar variation 3901307 (VCV003901307.1).
Genomic context (GRCh38, chr10:89,014,266, plus strand): 5'-ATGAAGCCAAAATAGATGAGATCAAGAATGACAATGTCCAAGACACAGCAGAACAGAAAG[T>C]TCAACTGCTTCGTAATTGGCATCAACTTCATGGAAAGAAAGAAGCGTATGACACATTGAT-3'
Protein context (NP_000034.1, residues 265-285): DNVQDTAEQK[Val275Ala]QLLRNWHQLH

ClinVar aggregate classification (germline): Uncertain significance (1 of 4 stars; one submission).

Submission:

GeneDx
Classification: Uncertain significance. Last evaluated: 2024-12-04. Review status: criteria provided, single submitter. Criteria: GeneDx Variant Classification Process June 2021. Collection method: clinical testing. Allele origin: germline. Affected: yes.
Comment: Not observed at significant frequency in large population cohorts (gnomAD); In silico analysis supports that this missense variant has a deleterious effect on protein structure/function; Has not been previously published as pathogenic or benign to our knowledge